The following is an entry in ClinVar:

NM_030632.3(ASXL3):c.4123G>C (p.Ala1375Pro)

Gene: ASXL3 (ASXL transcriptional regulator 3; plus strand). Cytogenetic location: 18q12.1.
Variant type: single nucleotide variant.
Coding change: c.4123G>C on transcript NM_030632.3 (MANE Select); coding-DNA position 4123, G replaced by C.
Protein change: p.Ala1375Pro; replaces alanine 1375 with proline.
Molecular consequence: missense variant.
Genome position (GRCh38, 1-based): chr18:33,743,971, G>C. VCF-style: chr18-33743971-G-C. GRCh37 (hg19) VCF-style: chr18-31323935-G-C.
Other names: short protein forms A1375P.
Identifiers: ClinVar variation 4688595 (VCV004688595.1).
Genomic context (GRCh38, chr18:33,743,971, plus strand): 5'-ACTAGCTCTGTCTTGATTCCCCCAATGGGAATTAACAACAGATTTCCTTCTGAGAAGATA[G>C]CCATACCTGGGAGTGAAGAACAGGCCACTGTATCCATGGGTACCACTGTGAGAGCAGCCC-3'
Protein context (NP_085135.1, residues 1365-1385): INNRFPSEKI[Ala1375Pro]IPGSEEQATV

ClinVar aggregate classification (germline): Uncertain significance (1 of 4 stars; one submission).

gnomAD v4.1: 1 of 1,614,018 alleles (0.000062%); no homozygotes.

Submission:

Women's Health and Genetics/Laboratory Corporation of America, LabCorp
Classification: Uncertain significance. Last evaluated: 2025-12-04. Review status: criteria provided, single submitter. Criteria: LabCorp Variant Classification Summary - May 2015. Collection method: clinical testing. Allele origin: germline.
Comment: Variant summary: ASXL3 c.4123G>C (p.Ala1375Pro) results in a non-conservative amino acid change in the encoded protein sequence. Algorithms developed to predict the effect of missense changes on protein structure and function are either unavailable or do not agree on the potential impact of this missense change. The variant was absent in 249244 control chromosomes. The available data on variant occurrences in the general population are insufficient to allow any conclusion about variant significance. To our knowledge, no occurrence of c.4123G>C in individuals affected with ASXL3-related conditions and no experimental evidence demonstrating its impact on protein function have been reported. No submitters have cited clinical-significance assessments for this variant to ClinVar. Based on the evidence outlined above, the variant was classified as uncertain significance.